The following is an entry in ClinVar:

NM_000179.3(MSH6):c.1249_1252dup (p.Ser418Ter)

Gene: MSH6 (mutS homolog 6; plus strand). Cytogenetic location: 2p16.3.
Variant type: Duplication.
Coding change: c.1249_1252dup on transcript NM_000179.3 (MANE Select); coding-DNA positions 1249 to 1252, 4 bases duplicated (AAGT; older notation c.1249_1252dupAAGT).
Protein change: p.Ser418Ter; replaces serine 418 with a stop codon.
Molecular consequence: nonsense. On other transcripts: non-coding transcript variant (4), intron variant (1), frameshift variant (1).
Genome position (GRCh38, 1-based): chr2:47,799,232-47,799,235, AAGT duplicated; duplicating any 4 consecutive bases within chr2:47,799,231-47,799,235 gives the same sequence; the c. name uses the placement nearest the transcript's 3' end. VCF-style (leftmost placement, unchanged base first): chr2-47799230-T-TTAAG. GRCh37 (hg19) VCF-style: chr2-48026369-T-TTAAG.
Other names: c.724_727dup, p.Ser243Ter (NM_001406806.1, NM_001406807.1, NM_001406799.1); c.1249_1252dup, p.Ser418Ter (NM_001406808.1, NM_001406809.1, NM_001406796.1 and 4 more transcripts); c.343_346dup, p.Ser116Ter (NM_001406812.1, NM_001406811.1, NM_001281493.2 and 6 more transcripts); c.1255_1258dup, p.Ser420Ter (NM_001406813.1); c.859_862dup, p.Ser288Ter (NM_001281492.2); c.1345_1348dup, p.Ser450Ter (NM_001406795.1, NM_001406802.1); c.952_955dup, p.Ser319Ter (NM_001406797.1, NM_001406801.1, NM_001406805.1 and 10 more transcripts); c.1171_1174dup, p.Ser392Ter (NM_001406804.1); and 3 more; short protein forms S116*, S392*, S450*, S243*, S288*, S362*, S420*, S319*.
Identifiers: ClinVar variation 2567469 (VCV002567469.4), dbSNP rs2530599052, ClinGen allele CA2580611352.

ClinVar aggregate classification (germline): Pathogenic. Review status: criteria provided, multiple submitters, no conflicts (2 of 4 stars). 3 submissions from 3 submitters: Pathogenic (3). Last evaluated 2025-11-25.

Conditions:
Lynch syndrome. Identifiers: Orphanet 144, MedGen C4552100, MONDO:0005835. Disease mechanism: loss of function.
Hereditary nonpolyposis colorectal neoplasms. Identifiers: MedGen C0009405, MeSH D003123.
Hereditary cancer-predisposing syndrome. Also called: Hereditary neoplastic syndrome; Hereditary Cancer Syndrome; Neoplastic Syndromes, Hereditary; Tumor predisposition. Identifiers: Orphanet 140162, MedGen C0027672, MeSH D009386, MONDO:0015356.

Submissions (3):

Labcorp Genetics (formerly Invitae), Labcorp
Classification: Pathogenic for Hereditary nonpolyposis colorectal neoplasms. Last evaluated: 2025-11-25. Review status: criteria provided, single submitter. Criteria: Invitae Variant Classification Sherloc (09022015). Collection method: clinical testing. Allele origin: germline.
Comment: This sequence change creates a premature translational stop signal (p.Ser418*) in the MSH6 gene. It is expected to result in an absent or disrupted protein product. Loss-of-function variants in MSH6 are known to be pathogenic (PMID: 18269114, 24362816). This variant is not present in population databases (gnomAD no frequency). This variant has not been reported in the literature in individuals affected with MSH6-related conditions. ClinVar contains an entry for this variant (Variation ID: 2567469). RNA analysis performed to evaluate the impact of this premature translational stop signal on mRNA splicing indicates it does not significantly alter splicing (internal data). For these reasons, this variant has been classified as Pathogenic.

All of Us Research Program, National Institutes of Health
Classification: Pathogenic for Lynch syndrome. Last evaluated: 2023-11-20. Review status: criteria provided, single submitter. Criteria: ACMG Guidelines, 2015. Collection method: clinical testing. Allele origin: germline. Inheritance: Autosomal dominant inheritance. Observed: 1 variant allele, 1 heterozygote.
Comment: This variant inserts 4 nucleotides in exon 4 of the MSH6 gene, creating a frameshift and premature translation stop signal. This variant is expected to result in an absent or non-functional protein product. To our knowledge, this variant has not been reported in individuals affected with MSH6-related disorders in the literature. This variant has not been identified in the general population by the Genome Aggregation Database (gnomAD). Loss of MSH6 function is a known mechanism of disease. Based on the available evidence, this variant is classified as Pathogenic.

This study involves interpretation of variants in research participants for the purpose of population health screening. Participant phenotype was not available at the time of variant classification. Additional details can be found in publication PMID: 35346344, PMCID: PMC8962531

Ambry Genetics
Classification: Pathogenic for Hereditary cancer-predisposing syndrome. Last evaluated: 2023-05-04. Review status: criteria provided, single submitter. Criteria: Ambry Variant Classification Scheme 2023. Collection method: clinical testing. Allele origin: germline.
Comment: The c.1249_1252dupAAGT pathogenic mutation, located in coding exon 4 of the MSH6 gene, results from a duplication of AAGT at nucleotide positions 1249 to 1252, causing a translational frameshift with a predicted alternate stop codon (p.S418*). This variant is considered to be rare based on population cohorts in the Genome Aggregation Database (gnomAD). This alteration is expected to result in loss of function by premature protein truncation or nonsense-mediated mRNA decay. As such, this alteration is interpreted as a disease-causing mutation.

Literature cited by the submitters: PubMed 18269114 (cited by Labcorp Genetics (formerly Invitae), Labcorp); PubMed 24362816 (cited by Labcorp Genetics (formerly Invitae), Labcorp).